The following is an entry in ClinVar:

NM_020778.5(ALPK3):c.605A>G (p.His202Arg)

Gene: ALPK3 (alpha kinase 3; plus strand). Cytogenetic location: 15q25.3.
Variant type: single nucleotide variant.
Coding change: c.605A>G on transcript NM_020778.5 (MANE Select); coding-DNA position 605, A replaced by G.
Protein change: p.His202Arg; replaces histidine 202 with arginine.
Molecular consequence: missense variant.
Genome position (GRCh38, 1-based): chr15:84,839,884, A>G. VCF-style: chr15-84839884-A-G. GRCh37 (hg19) VCF-style: chr15-85383115-A-G.
Other names: c.1211A>G (NM_020778.4); short protein forms H202R.
Identifiers: ClinVar variation 1399439 (VCV001399439.9), dbSNP rs761936926, ClinGen allele CA7709008.

ClinVar aggregate classification (germline): Uncertain significance. Review status: criteria provided, multiple submitters, no conflicts (2 of 4 stars). 2 submissions from 2 submitters: Uncertain significance (2). Last evaluated 2025-01-16.

Conditions:
Cardiovascular phenotype. Identifiers: MedGen CN230736.

Allele frequency attached by ClinVar (database versions not stated): gnomAD exomes 0.00001.

Submissions (2):

Ambry Genetics
Classification: Uncertain significance for Cardiovascular phenotype. Last evaluated: 2025-01-16. Review status: criteria provided, single submitter. Criteria: Ambry Variant Classification Scheme 2023. Collection method: clinical testing. Allele origin: germline.
Comment: The p.H404R variant (also known as c.1211A>G), located in coding exon 5 of the ALPK3 gene, results from an A to G substitution at nucleotide position 1211. The histidine at codon 404 is replaced by arginine, an amino acid with highly similar properties. This amino acid position is conserved. In addition, this alteration is predicted to be tolerated by in silico analysis. Based on the available evidence, the clinical significance of this variant remains unclear.

Labcorp Genetics (formerly Invitae), Labcorp
Classification: Uncertain significance. Last evaluated: 2022-03-26. Review status: criteria provided, single submitter. Criteria: Invitae Variant Classification Sherloc (09022015). Collection method: clinical testing. Allele origin: germline.
Comment: This sequence change replaces histidine, which is basic and polar, with arginine, which is basic and polar, at codon 404 of the ALPK3 protein (p.His404Arg). This variant is present in population databases (rs761936926, gnomAD 0.03%). In summary, the available evidence is currently insufficient to determine the role of this variant in disease. Therefore, it has been classified as a Variant of Uncertain Significance. Algorithms developed to predict the effect of missense changes on protein structure and function output the following: SIFT: "Tolerated"; PolyPhen-2: "Benign"; Align-GVGD: "Class C0". The arginine amino acid residue is found in multiple mammalian species, which suggests that this missense change does not adversely affect protein function. This variant has not been reported in the literature in individuals affected with ALPK3-related conditions.